The following is an entry in ClinVar:

ClinVar aggregate classification (germline): Uncertain significance. Review status: criteria provided, multiple submitters, no conflicts (2 of 4 stars). 2 submissions from 2 submitters: Uncertain significance (2). Last evaluated 2025-08-14.

Conditions:
Colorectal cancer, susceptibility to, 1. Also called: COLORECTAL ADENOMA AND CANCER, SUSCEPTIBILITY TO; COLORECTAL CANCER, SUSCEPTIBILITY TO, ON CHROMOSOME 9. Identifiers: MedGen C1837315, MONDO:0012132, OMIM 608812.

Submissions (2):

Ambry Genetics
Classification: Uncertain significance. Last evaluated: 2025-08-14. Review status: criteria provided, single submitter. Criteria: Ambry Variant Classification Scheme 2023. Collection method: clinical testing. Allele origin: germline.
Comment: The p.M580I variant (also known as c.1740G>A), located in coding exon 10 of the GALNT12 gene, results from a G to A substitution at nucleotide position 1740. The methionine at codon 580 is replaced by isoleucine, an amino acid with highly similar properties. This amino acid position is poorly conserved in available vertebrate species. In addition, this alteration is predicted to be tolerated by in silico analysis. Since supporting evidence is limited at this time, the clinical significance of this alteration remains unclear.

Baylor Genetics
Classification: Uncertain significance for Colorectal cancer, susceptibility to, 1. Last evaluated: 2023-10-01. Review status: criteria provided, single submitter. Criteria: ACMG Guidelines, 2015. Collection method: clinical testing. Allele origin: unknown.

NM_024642.5(GALNT12):c.1740G>A (p.Met580Ile)

Gene: GALNT12 (polypeptide N-acetylgalactosaminyltransferase 12; plus strand). Cytogenetic location: 9q22.33.
Variant type: single nucleotide variant.
Coding change: c.1740G>A on transcript NM_024642.5 (MANE Select); coding-DNA position 1740, G replaced by A.
Protein change: p.Met580Ile; replaces methionine 580 with isoleucine.
Molecular consequence: missense variant.
Genome position (GRCh38, 1-based): chr9:98,849,086, G>A. VCF-style: chr9-98849086-G-A. GRCh37 (hg19) VCF-style: chr9-101611368-G-A.
Other names: short protein forms M580I.
Identifiers: ClinVar variation 819950 (VCV000819950.6), dbSNP rs1588461456, ClinGen allele CA374223416.